The following is an entry in ClinVar:

ClinVar aggregate classification (germline): Pathogenic (1 of 4 stars; one submission).

Submission:

Labcorp Genetics (formerly Invitae), Labcorp
Classification: Pathogenic. Last evaluated: 2025-05-15. Review status: criteria provided, single submitter. Criteria: Invitae Variant Classification Sherloc (09022015). Collection method: clinical testing. Allele origin: germline.
Comment: This sequence change creates a premature translational stop signal (p.Asp1362Argfs*28) in the SPTB gene. It is expected to result in an absent or disrupted protein product. Loss-of-function variants in SPTB are known to be pathogenic (PMID: 1391962, 1498324, 8844207, 26830532, 27292444). This variant is not present in population databases (gnomAD no frequency). This variant has not been reported in the literature in individuals affected with SPTB-related conditions. For these reasons, this variant has been classified as Pathogenic.

Literature cited by the submitters: PubMed 1391962; PubMed 1498324; PubMed 8844207; PubMed 26830532; PubMed 27292444.

NM_001355436.2(SPTB):c.4084_4085del (p.Asp1362fs)

Gene: SPTB (spectrin beta, erythrocytic; minus strand). Cytogenetic location: 14q23.3.
Variant type: Deletion.
Coding change: c.4084_4085del on transcript NM_001355436.2 (MANE Select); coding-DNA positions 4084 to 4085, 2 bases deleted (GA; older notation c.4084_4085delGA).
Protein change: p.Asp1362fs; shifts the reading frame from aspartic acid 1362.
Molecular consequence: frameshift variant.
Genome position (GRCh38, 1-based): chr14:64,782,471-64,782,472, TC deleted on the plus strand (GA on the coding strand, the reverse complement: SPTB is on the minus strand). VCF-style (leftmost placement, unchanged base first): chr14-64782470-GTC-G. GRCh37 (hg19) VCF-style: chr14-65249188-GTC-G.
Other names: c.4084_4085del, p.Asp1362fs (NM_001024858.4, NM_001355437.2); short protein forms D1362fs.
Identifiers: ClinVar variation 4719670 (VCV004719670.1).